The following is an entry in ClinVar:

NM_000051.4(ATM):c.7706A>G (p.Asp2569Gly)

Genes: ATM (ATM serine/threonine kinase; plus strand), C11orf65 (chromosome 11 open reading frame 65; minus strand). Cytogenetic location: 11q22.3.
Variant type: single nucleotide variant.
Coding change: c.7706A>G on transcript NM_000051.4 (MANE Select); coding-DNA position 7706, A replaced by G.
Protein change: p.Asp2569Gly; replaces aspartic acid 2569 with glycine.
Molecular consequence: missense variant. On other transcripts: intron variant (2).
Genome position (GRCh38, 1-based): chr11:108,331,955, A>G. VCF-style: chr11-108331955-A-G. GRCh37 (hg19) VCF-style: chr11-108202682-A-G.
Other names: c.7706A>G, p.Asp2569Gly (NM_001351834.2); c.641-22884T>C (NM_001330368.2); c.*38+3265T>C (NM_001351110.2); short protein forms D2569G.
Identifiers: ClinVar variation 482595 (VCV000482595.9), dbSNP rs1555124575, ClinGen allele CA382561049.

ClinVar aggregate classification (germline): Uncertain significance. Review status: criteria provided, multiple submitters, no conflicts (2 of 4 stars). 3 submissions from 3 submitters: Uncertain significance (2). 1 of the submissions does not count toward it. Last evaluated 2023-05-07.

Conditions:
Hereditary cancer-predisposing syndrome. Also called: Neoplastic Syndromes, Hereditary; Hereditary Cancer Syndrome; Tumor predisposition; Hereditary neoplastic syndrome. Identifiers: Orphanet 140162, MedGen C0027672, MeSH D009386, MONDO:0015356.
Ataxia-telangiectasia syndrome (AT). Also called: LOUIS-BAR SYNDROME; Cerebello-oculocutaneous telangiectasia; Immunodeficiency with ataxia telangiectasia; Ataxia-telangiectasia, complementation group D; AT, COMPLEMENTATION GROUP C; Ataxia-telangiectasia, complementation group E. Identifiers: Orphanet 100, MedGen C0004135, MONDO:0008840, OMIM 208900.

Allele frequency attached by ClinVar (database versions not stated): gnomAD exomes below 0.00001.
gnomAD v4.1: 3 of 1,614,066 alleles (0.00019%); highest among the groups gnomAD compares: South Asian, 0.0033%; no homozygotes.

Submissions (3):

Labcorp Genetics (formerly Invitae), Labcorp
Classification: Uncertain significance for Ataxia-telangiectasia syndrome. Last evaluated: 2023-05-07. Review status: criteria provided, single submitter. Criteria: Invitae Variant Classification Sherloc (09022015). Collection method: clinical testing. Allele origin: germline.
Comment: In summary, the available evidence is currently insufficient to determine the role of this variant in disease. Therefore, it has been classified as a Variant of Uncertain Significance. An algorithm developed to predict the effect of missense changes on protein structure and function (PolyPhen-2) suggests that this variant is likely to be disruptive. ClinVar contains an entry for this variant (Variation ID: 482595). This variant has not been reported in the literature in individuals affected with ATM-related conditions. This variant is not present in population databases (gnomAD no frequency). This sequence change replaces aspartic acid, which is acidic and polar, with glycine, which is neutral and non-polar, at codon 2569 of the ATM protein (p.Asp2569Gly).

Ambry Genetics
Classification: Uncertain significance for Hereditary cancer-predisposing syndrome. Last evaluated: 2016-04-25. Review status: criteria provided, single submitter. Criteria: Ambry Variant Classification Scheme 2023. Collection method: clinical testing. Allele origin: germline.
Comment: The p.D2569G variant (also known as c.7706A>G), located in coding exon 51 of the ATM gene, results from an A to G substitution at nucleotide position 7706. The aspartic acid at codon 2569 is replaced by glycine, an amino acid with similar properties. This variant was not reported in population based cohorts in the following databases: Database of Single Nucleotide Polymorphisms (dbSNP), NHLBI Exome Sequencing Project (ESP), and 1000 Genomes Project. In the ESP, this variant was not observed in 6499 samples (12998 alleles) with coverage at this position. To date, this alteration has been detected with an allele frequency of approximately 0.001% (greater than 125000 alleles tested) in our clinical cohort. This amino acid position is highly conserved in available vertebrate species. In addition, this alteration is predicted to be deleterious by in silico analysis. Since supporting evidence is limited at this time, the clinical significance of this alteration remains unclear.

Institute for Biomarker Research, Medical Diagnostic Laboratories, L.L.C.
Classification: Uncertain significance for Hereditary cancer-predisposing syndrome. Last evaluated: 2021-11-23. Review status: no assertion criteria provided. Collection method: clinical testing. Allele origin: germline. Not counted in ClinVar's aggregate classification.